The following is an entry in ClinVar:

NM_020639.3(RIPK4):c.2331G>A (p.Thr777=)

Gene: RIPK4 (receptor interacting serine/threonine kinase 4; minus strand). Cytogenetic location: 21q22.3.
Variant type: single nucleotide variant.
Coding change: c.2331G>A on transcript NM_020639.3 (MANE Select); coding-DNA position 2331, G replaced by A.
Protein change: p.Thr777=; no amino-acid change (threonine 777 retained).
Molecular consequence: synonymous variant.
Genome position (GRCh38, 1-based): chr21:41,740,862, C>T on the plus strand (G>A on the coding strand, the complement: RIPK4 is on the minus strand). VCF-style: chr21-41740862-C-T. GRCh37 (hg19) VCF-style: chr21-43161022-C-T.
Identifiers: ClinVar variation 261351 (VCV000261351.11), dbSNP rs7276592, ClinGen allele CA10035068.

ClinVar aggregate classification (germline): Benign. Review status: criteria provided, multiple submitters, no conflicts (2 of 4 stars). 5 submissions from 5 submitters: Benign (5). Last evaluated 2021-11-07.

Conditions:
Bartsocas-Papas syndrome 1. Also called: MULTIPLE PTERYGIUM SYNDROME, ASLAN TYPE; Bartsocas-Papas syndrome; PTERYGIUM, POPLITEAL, LETHAL TYPE. Identifiers: Orphanet 1234, MedGen C1849718, MONDO:0009901, OMIM 263650.

Allele frequency attached by ClinVar (database versions not stated): gnomAD exomes 0.44202 and 0.44946; gnomAD 0.41978 and 0.42267; 1000 Genomes Project 30x 0.44176; 1000 Genomes Project 0.44549; ESP Exome Variant Server 0.38711; ExAC 0.45312; TOPMed 0.42281.
gnomAD v4.1: 707,691 of 1,608,350 alleles (44%); highest among the groups gnomAD compares: East Asian, 62%; 157,386 homozygotes.

Submissions (5):

Genome-Nilou Lab
Classification: Benign for Bartsocas-Papas syndrome 1. Last evaluated: 2021-11-07. Review status: criteria provided, single submitter. Criteria: ACMG Guidelines, 2015. Collection method: clinical testing. Allele origin: germline. Affected: no.

GeneDx
Classification: Benign. Last evaluated: 2018-11-12. Review status: criteria provided, single submitter. Criteria: GeneDx Variant Classification Process June 2021. Collection method: clinical testing. Allele origin: germline. Affected: yes.

Illumina Laboratory Services, Illumina
Classification: Benign for Bartsocas-Papas syndrome 1. Last evaluated: 2018-01-13. Review status: criteria provided, single submitter. Criteria: ICSL Variant Classification Criteria 13 December 2019. Collection method: clinical testing. Allele origin: germline.
Comment: This variant was observed in the ICSL laboratory as part of a predisposition screen in an ostensibly healthy population. It had not been previously curated by ICSL or reported in the Human Gene Mutation Database (HGMD: prior to June 1st, 2018), and was therefore a candidate for classification through an automated scoring system. Utilizing variant allele frequency, disease prevalence and penetrance estimates, and inheritance mode, an automated score was calculated to assess if this variant is too frequent to cause the disease. Based on the score and internal cut-off values, a variant classified as benign is not then subjected to further curation. The score for this variant resulted in a classification of benign for this disease.

Breakthrough Genomics
Classification: Benign. Review status: criteria provided, single submitter. Criteria: ACMG Guidelines, 2015. Collection method: not provided. Allele origin: germline. Inheritance: Autosomal recessive inheritance. Affected: yes.

PreventionGenetics, part of Exact Sciences
Classification: Benign. Review status: criteria provided, single submitter. Criteria: ACMG Guidelines, 2015. Collection method: clinical testing. Allele origin: germline.